The following is an entry in ClinVar:

ClinVar aggregate classification (germline): no classifications from unflagged records (0 of 4 stars; one submission).

Conditions:
Chronic obstructive pulmonary disease. Also called: Chronic pulmonary obstruction. Identifiers: MedGen C0024117, MeSH D029424, MONDO:0005002, OMIM 606963, HP:0006510.

Submission:

Dr Mariam's Lab, University of the Punjab
Classification: Likely pathogenic for Chronic obstructive pulmonary disease. Review status: flagged submission. Collection method: case-control. Allele origin: germline. Affected: yes.
ClinVar note: Notes: This phenotype is not a monogenic disease. The terms P/LP are not appropriate.
ClinVar note: Reason: Other

NM_000583.4(GC):c.1330A>T (p.Lys444Ter)

Gene: GC (GC vitamin D binding protein; minus strand). Cytogenetic location: 4q13.3.
Variant type: single nucleotide variant.
Coding change: c.1330A>T on transcript NM_000583.4 (MANE Select); coding-DNA position 1330, A replaced by T.
Protein change: p.Lys444Ter; replaces lysine 444 with a stop codon.
Molecular consequence: nonsense.
Genome position (GRCh38, 1-based): chr4:71,752,583, T>A on the plus strand (A>T on the coding strand, the complement: GC is on the minus strand). VCF-style: chr4-71752583-T-A. GRCh37 (hg19) VCF-style: chr4-72618300-T-A.
Other names: c.1330A>T, p.Lys444Ter (NM_001204306.1); c.1387A>T, p.Lys463Ter (NM_001204307.1); short protein forms K444*, K463*.
Identifiers: ClinVar variation 3336647 (VCV003336647.1).
Genomic context (GRCh38, chr4:71,752,583, plus strand): 5'-AATCACAGTAAAGAGGAGGTGAGTTTATGGAACAGCAGTTGGAGGCAAAGTCTGAGTGCT[T>A]GTTAACCAGCTTTGCCAGTTCCGTGGGTGTGGCATCAGGCAATTTTGCTTTTAGTCGCTC-3'